The following is an entry in ClinVar:

NM_000553.6(WRN):c.1431+5G>A

Gene: WRN (WRN RecQ like helicase; plus strand). Cytogenetic location: 8p12.
Variant type: single nucleotide variant.
Coding change: c.1431+5G>A on transcript NM_000553.6 (MANE Select); 5 bases into the intron after coding-DNA position 1431, G replaced by A.
Molecular consequence: intron variant.
Genome position (GRCh38, 1-based): chr8:31,085,251, G>A. VCF-style: chr8-31085251-G-A. GRCh37 (hg19) VCF-style: chr8-30942767-G-A.
Identifiers: ClinVar variation 404051 (VCV000404051.5), dbSNP rs570970106, ClinGen allele CA16612480.

ClinVar aggregate classification (germline): Uncertain significance (1 of 4 stars; one submission).

Conditions:
Werner syndrome (WRN). Identifiers: Orphanet 902, MedGen C0043119, MONDO:0010196, OMIM 277700.

Allele frequency attached by ClinVar (database versions not stated): gnomAD 0.00001; gnomAD exomes 0.00001; TOPMed 0.00001.

Submission:

Labcorp Genetics (formerly Invitae), Labcorp
Classification: Uncertain significance for Werner syndrome. Last evaluated: 2023-08-04. Review status: criteria provided, single submitter. Criteria: Invitae Variant Classification Sherloc (09022015). Collection method: clinical testing. Allele origin: germline.
Comment: In summary, the available evidence is currently insufficient to determine the role of this variant in disease. Therefore, it has been classified as a Variant of Uncertain Significance. Variants that disrupt the consensus splice site are a relatively common cause of aberrant splicing (PMID: 17576681, 9536098). Algorithms developed to predict the effect of sequence changes on RNA splicing suggest that this variant is not likely to affect RNA splicing. ClinVar contains an entry for this variant (Variation ID: 404051). This variant has not been reported in the literature in individuals affected with WRN-related conditions. This variant is present in population databases (rs570970106, gnomAD 0.002%). This sequence change falls in intron 11 of the WRN gene. It does not directly change the encoded amino acid sequence of the WRN protein. It affects a nucleotide within the consensus splice site.

Literature cited by the submitters: PubMed 17576681; PubMed 9536098.